The following is an entry in ClinVar:

NM_000097.7(CPOX):c.1073C>T (p.Ala358Val)

Gene: CPOX (coproporphyrinogen oxidase; minus strand). Cytogenetic location: 3q11.2.
Variant type: single nucleotide variant.
Coding change: c.1073C>T on transcript NM_000097.7 (MANE Select); coding-DNA position 1073, C replaced by T.
Protein change: p.Ala358Val; replaces alanine 358 with valine.
Molecular consequence: missense variant.
Genome position (GRCh38, 1-based): chr3:98,585,540, G>A on the plus strand (C>T on the coding strand, the complement: CPOX is on the minus strand). VCF-style: chr3-98585540-G-A. GRCh37 (hg19) VCF-style: chr3-98304384-G-A.
Other names: short protein forms A358V.
Identifiers: ClinVar variation 3716895 (VCV003716895.2).

ClinVar aggregate classification (germline): Uncertain significance (1 of 4 stars; one submission).

Submission:

Labcorp Genetics (formerly Invitae), Labcorp
Classification: Uncertain significance. Last evaluated: 2024-04-10. Review status: criteria provided, single submitter. Criteria: Invitae Variant Classification Sherloc (09022015). Collection method: clinical testing. Allele origin: germline.
Comment: This sequence change replaces alanine, which is neutral and non-polar, with valine, which is neutral and non-polar, at codon 358 of the CPOX protein (p.Ala358Val). This variant is not present in population databases (gnomAD no frequency). This variant has not been reported in the literature in individuals affected with CPOX-related conditions. Advanced modeling of protein sequence and biophysical properties (such as structural, functional, and spatial information, amino acid conservation, physicochemical variation, residue mobility, and thermodynamic stability) performed at Invitae indicates that this missense variant is not expected to disrupt CPOX protein function with a negative predictive value of 80%. In summary, the available evidence is currently insufficient to determine the role of this variant in disease. Therefore, it has been classified as a Variant of Uncertain Significance.